The following is an entry in ClinVar:

NM_004064.5(CDKN1B):c.325G>A (p.Val109Ile)

Gene: CDKN1B (cyclin dependent kinase inhibitor 1B; plus strand). Cytogenetic location: 12p13.1.
Variant type: single nucleotide variant.
Coding change: c.325G>A on transcript NM_004064.5 (MANE Select); coding-DNA position 325, G replaced by A.
Protein change: p.Val109Ile; replaces valine 109 with isoleucine.
Molecular consequence: missense variant.
Genome position (GRCh38, 1-based): chr12:12,718,164, G>A. VCF-style: chr12-12718164-G-A. GRCh37 (hg19) VCF-style: chr12-12871098-G-A.
Other names: c.325G>A (NM_004064.3); short protein forms V109I.
Identifiers: ClinVar variation 3670020 (VCV003670020.3).

ClinVar aggregate classification (germline): Uncertain significance. Review status: criteria provided, multiple submitters, no conflicts (2 of 4 stars). 2 submissions from 2 submitters: Uncertain significance (2). Last evaluated 2025-07-31.

Conditions:
Multiple endocrine neoplasia type 4. Also called: MULTIPLE ENDOCRINE NEOPLASIA, TYPE IV. Identifiers: Orphanet 276152, MedGen C1970712, MONDO:0012552, OMIM 610755.
Hereditary cancer-predisposing syndrome. Also called: Hereditary Cancer Syndrome; Tumor predisposition; Hereditary neoplastic syndrome; Neoplastic Syndromes, Hereditary. Identifiers: Orphanet 140162, MedGen C0027672, MeSH D009386, MONDO:0015356.

Submissions (2):

Labcorp Genetics (formerly Invitae), Labcorp
Classification: Uncertain significance for Multiple endocrine neoplasia type 4. Last evaluated: 2025-07-31. Review status: criteria provided, single submitter. Criteria: Invitae Variant Classification Sherloc (09022015). Collection method: clinical testing. Allele origin: germline.
Comment: This sequence change replaces valine, which is neutral and non-polar, with isoleucine, which is neutral and non-polar, at codon 109 of the CDKN1B protein (p.Val109Ile). This variant is not present in population databases (gnomAD no frequency). This variant has not been reported in the literature in individuals affected with CDKN1B-related conditions. ClinVar contains an entry for this variant (Variation ID: 3670020). An algorithm developed to predict the effect of missense changes on protein structure and function (PolyPhen-2) suggests that this variant is likely to be tolerated. In summary, the available evidence is currently insufficient to determine the role of this variant in disease. Therefore, it has been classified as a Variant of Uncertain Significance.

Ambry Genetics
Classification: Uncertain significance for Hereditary cancer-predisposing syndrome. Last evaluated: 2025-06-08. Review status: criteria provided, single submitter. Criteria: Ambry Variant Classification Scheme 2023. Collection method: clinical testing. Allele origin: germline.
Comment: The p.V109I variant (also known as c.325G>A), located in coding exon 1 of the CDKN1B gene, results from a G to A substitution at nucleotide position 325. The valine at codon 109 is replaced by isoleucine, an amino acid with highly similar properties. This amino acid position is conserved. In addition, this alteration is predicted to be tolerated by in silico analysis. Based on the available evidence, the clinical significance of this variant remains unclear.